The following is an entry in ClinVar:

NM_006494.4(ERF):c.517_521dup (p.Ala175fs)

Gene: ERF (ETS2 repressor factor; minus strand). Cytogenetic location: 19q13.2.
Variant type: Duplication.
Coding change: c.517_521dup on transcript NM_006494.4 (MANE Select); coding-DNA positions 517 to 521, 5 bases duplicated (TTCTC; older notation c.517_521dupTTCTC).
Protein change: p.Ala175fs; shifts the reading frame from alanine 175.
Molecular consequence: frameshift variant.
Genome position (GRCh38, 1-based): chr19:42,249,591-42,249,595, GAGAA duplicated on the plus strand (TTCTC on the coding strand, the reverse complement: ERF is on the minus strand); duplicating any 5 consecutive bases within chr19:42,249,591-42,249,598 gives the same sequence; the c. name uses the placement nearest the transcript's 3' end. VCF-style (leftmost placement, unchanged base first): chr19-42249590-C-CGAGAA. GRCh37 (hg19) VCF-style: chr19-42753742-C-CGAGAA.
Other names: c.517_521dupTTCTC (NM_006494.4); c.292_296dup, p.Ala100fs (NM_001301035.2, NM_001308402.2, NM_001312656.2); short protein forms A100fs, A175fs.
Identifiers: ClinVar variation 1199415 (VCV001199415.1), dbSNP rs2146950390, ClinGen allele CA2499225506.

ClinVar aggregate classification (germline): Likely pathogenic (1 of 4 stars; one submission).

Conditions:
Lambdoidal craniosynostosis. Identifiers: MedGen C1833340, HP:0004443.

Submission:

HudsonAlpha Institute for Biotechnology
Classification: Likely pathogenic for Craniosynostosis 4. Last evaluated: 2021-07-29. Review status: criteria provided, single submitter. Criteria: ACMG Guidelines, 2015. Collection method: research. Allele origin: maternal. Affected: yes. Observed: 1 variant allele. Study: CSER-SouthSeq.
Comment: ACMG codes: PVS1; PM2